The following is an entry in ClinVar:

ClinVar aggregate classification (germline): Uncertain significance (1 of 4 stars; one submission).

Conditions:
Early-onset Lafora body disease. Also called: Epilepsy, progressive myoclonic, 10. Identifiers: Orphanet 324290, MedGen C4225258, MONDO:0014717, OMIM 616640.

Submission:

Labcorp Genetics (formerly Invitae), Labcorp
Classification: Uncertain significance for Early-onset Lafora body disease. Last evaluated: 2022-09-01. Review status: criteria provided, single submitter. Criteria: Invitae Variant Classification Sherloc (09022015). Collection method: clinical testing. Allele origin: germline.
Comment: In summary, the available evidence is currently insufficient to determine the role of this variant in disease. Therefore, it has been classified as a Variant of Uncertain Significance. Experimental studies and prediction algorithms are not available or were not evaluated, and the functional significance of this variant is currently unknown. This variant has not been reported in the literature in individuals affected with PRDM8-related conditions. This variant is present in population databases (rs770253118, gnomAD 0.008%). This variant, c.1788_1790dup, results in the insertion of 1 amino acid(s) of the PRDM8 protein (p.Ala598dup), but otherwise preserves the integrity of the reading frame.

NM_001099403.2(PRDM8):c.1782GGC[4] (p.Ala598dup)

Gene: PRDM8 (PR/SET domain 8; plus strand). Cytogenetic location: 4q21.21.
Variant type: Microsatellite.
Coding change: c.1782GGC[4] on transcript NM_001099403.2 (MANE Select); four copies in a row of the 3-base unit GGC starting at c.1782; the reference has three copies in a row; one copy, 3 bases duplicated.
Protein change: p.Ala598dup; duplicates alanine 598.
Molecular consequence: inframe insertion.
Genome position (GRCh38, 1-based): chr4:80,203,250-80,203,252, GGC duplicated; duplicating any 3 consecutive bases within chr4:80,203,242-80,203,252 gives the same sequence; the position shown is the placement nearest the transcript's 3' end. VCF-style (leftmost placement, unchanged base first): chr4-80203241-T-TGCG. GRCh37 (hg19) VCF-style: chr4-81124395-T-TGCG.
Other names: c.1782GGC[4], p.Ala598dup (NM_020226.4).
Identifiers: ClinVar variation 1424724 (VCV001424724.6), dbSNP rs770253118, ClinGen allele CA2982455.